The following is an entry in ClinVar:

ClinVar aggregate classification (germline): Uncertain significance. Review status: criteria provided, multiple submitters, no conflicts (2 of 4 stars). 2 submissions from 2 submitters: Uncertain significance (2). Last evaluated 2026-07-07.

Conditions:
Hereditary cancer-predisposing syndrome. Also called: Hereditary Cancer Syndrome; Hereditary neoplastic syndrome; Neoplastic Syndromes, Hereditary; Tumor predisposition. Identifiers: Orphanet 140162, MedGen C0027672, MeSH D009386, MONDO:0015356.
Renal cell carcinoma. Identifiers: Orphanet 217071, MedGen C0007134, MeSH D002292, MONDO:0005086, HP:0005584.

Submissions (2):

Ambry Genetics
Classification: Uncertain significance for Hereditary cancer-predisposing syndrome. Last evaluated: 2026-07-07. Review status: criteria provided, single submitter. Criteria: Ambry Variant Classification Scheme 2023. Collection method: clinical testing. Allele origin: germline.
Comment: The p.C882R variant (also known as c.2644T>C), located in coding exon 11 of the MET gene, results from a T to C substitution at nucleotide position 2644. The cysteine at codon 882 is replaced by arginine, an amino acid with highly dissimilar properties. This amino acid position is conserved. In addition, this alteration is predicted to be deleterious by in silico analysis. Based on the available evidence, the clinical significance of this variant remains unclear.

Labcorp Genetics (formerly Invitae), Labcorp
Classification: Uncertain significance for Renal cell carcinoma. Last evaluated: 2025-03-04. Review status: criteria provided, single submitter. Criteria: Invitae Variant Classification Sherloc (09022015). Collection method: clinical testing. Allele origin: germline.
Comment: This sequence change replaces cysteine, which is neutral and slightly polar, with arginine, which is basic and polar, at codon 900 of the MET protein (p.Cys900Arg). This variant is not present in population databases (gnomAD no frequency). This variant has not been reported in the literature in individuals affected with MET-related conditions. Invitae Evidence Modeling of protein sequence and biophysical properties (such as structural, functional, and spatial information, amino acid conservation, physicochemical variation, residue mobility, and thermodynamic stability) indicates that this missense variant is expected to disrupt MET protein function with a positive predictive value of 80%. In summary, the available evidence is currently insufficient to determine the role of this variant in disease. Therefore, it has been classified as a Variant of Uncertain Significance.

NM_000245.4(MET):c.2644T>C (p.Cys882Arg)

Gene: MET (MET proto-oncogene, receptor tyrosine kinase; plus strand). Cytogenetic location: 7q31.2.
Variant type: single nucleotide variant.
Coding change: c.2644T>C on transcript NM_000245.4 (MANE Select); coding-DNA position 2644, T replaced by C.
Protein change: p.Cys882Arg; replaces cysteine 882 with arginine.
Molecular consequence: missense variant.
Genome position (GRCh38, 1-based): chr7:116,769,705, T>C. VCF-style: chr7-116769705-T-C. GRCh37 (hg19) VCF-style: chr7-116409759-T-C.
Other names: c.2698T>C, p.Cys900Arg (NM_001127500.3); c.2644T>C, p.Cys882Arg (NM_001324401.3); c.1354T>C, p.Cys452Arg (NM_001324402.2); c.2644T>C (NM_000245.2); short protein forms C900R, C882R, C452R.
Identifiers: ClinVar variation 4746038 (VCV004746038.2).